The following is an entry in ClinVar:

NM_006393.3(NEBL):c.1020del (p.Glu341fs)

Gene: NEBL (nebulette; minus strand). Cytogenetic location: 10p12.31.
Variant type: Deletion.
Coding change: c.1020del on transcript NM_006393.3 (MANE Select); coding-DNA position 1020, one base deleted (A; older notation c.1020delA).
Protein change: p.Glu341fs; shifts the reading frame from glutamic acid 341.
Molecular consequence: frameshift variant. On other transcripts: intron variant (9).
Genome position (GRCh38, 1-based): chr10:20,850,491, T deleted on the plus strand (A on the coding strand, the reverse complement: NEBL is on the minus strand); the first of 3 consecutive T bases (chr10:20,850,491-20,850,493); deleting any one gives the same sequence. VCF-style (leftmost placement, unchanged base first): chr10-20850490-CT-C. GRCh37 (hg19) VCF-style: chr10-21139419-CT-C.
Other names: c.250-37551del (NM_001377326.1, NM_001377327.1, NM_001377328.1); c.358-37551del (NM_213569.2, NM_001173484.2, NM_001377322.1); c.301-37551del (NM_001377324.1); c.292-37551del (NM_001377325.1); c.310-37551del (NM_001377323.1); short protein forms E341fs.
Identifiers: ClinVar variation 1405936 (VCV001405936.6), dbSNP rs2131052910, ClinGen allele CA2573145031.

ClinVar aggregate classification (germline): Uncertain significance (1 of 4 stars; one submission).

Conditions:
Primary dilated cardiomyopathy (DCM). Also called: Dilated Cardiomyopathy. Identifiers: Orphanet 217604, MedGen C0007193, MeSH D002311, MONDO:0005021, HP:0001644. Inheritance: Various modes of inheritance.

Submission:

Labcorp Genetics (formerly Invitae), Labcorp
Classification: Uncertain significance for Primary dilated cardiomyopathy. Last evaluated: 2021-07-17. Review status: criteria provided, single submitter. Criteria: Invitae Variant Classification Sherloc (09022015). Collection method: clinical testing. Allele origin: germline.
Comment: This sequence change creates a premature translational stop signal (p.Glu341Lysfs*51) in the NEBL gene. It is expected to result in an absent or disrupted protein product. However, the current clinical and genetic evidence is not sufficient to establish whether loss-of-function variants in NEBL cause disease. This variant is not present in population databases (ExAC no frequency). This variant has not been reported in the literature in individuals affected with NEBL-related conditions. In summary, the available evidence is currently insufficient to determine the role of this variant in disease. Therefore, it has been classified as a Variant of Uncertain Significance.